The following is an entry in ClinVar:

ClinVar aggregate classification (germline): Likely benign. Review status: criteria provided, multiple submitters, no conflicts (2 of 4 stars). 2 submissions from 2 submitters: Likely benign (2). Last evaluated 2026-08-12.

Conditions:
ADGRA3-related disorder. Also called: ADGRA3-related condition.

Allele frequency attached by ClinVar (database versions not stated): gnomAD exomes 0.00004 and 0.00006; ExAC 0.00007; ESP Exome Variant Server 0.00008; gnomAD 0.00018; 1000 Genomes Project 0.00020; TOPMed 0.00022; 1000 Genomes Project 30x 0.00031.
gnomAD v4.1: 84 of 1,614,008 alleles (0.0052%); highest among the groups gnomAD compares: African/African-American, 0.061%; no homozygotes.

Submissions (2):

PreventionGenetics, part of Exact Sciences
Classification: Likely benign for ADGRA3-related condition. Last evaluated: 2026-08-12. Review status: criteria provided, single submitter. Criteria: ACMG Guidelines, 2015. Collection method: clinical testing. Allele origin: germline.
Comment: This variant is classified as likely benign based on ACMG/AMP sequence variant interpretation guidelines (Richards et al. 2015 PMID: 25741868, with internal and published modifications).

Labcorp Genetics (formerly Invitae), Labcorp
Classification: Likely benign. Last evaluated: 2025-08-15. Review status: criteria provided, single submitter. Criteria: Invitae Variant Classification Sherloc (09022015). Collection method: clinical testing. Allele origin: germline.

NM_145290.4(ADGRA3):c.2118C>T (p.Phe706=)

Gene: ADGRA3 (adhesion G protein-coupled receptor A3; minus strand). Cytogenetic location: 4p15.2.
Variant type: single nucleotide variant.
Coding change: c.2118C>T on transcript NM_145290.4 (MANE Select); coding-DNA position 2118, C replaced by T.
Protein change: p.Phe706=; no amino-acid change (phenylalanine 706 retained).
Molecular consequence: synonymous variant.
Genome position (GRCh38, 1-based): chr4:22,413,296, G>A on the plus strand (C>T on the coding strand, the complement: ADGRA3 is on the minus strand). VCF-style: chr4-22413296-G-A. GRCh37 (hg19) VCF-style: chr4-22414919-G-A.
Other names: c.2118C>T (NM_145290.3).
Identifiers: ClinVar variation 1158936 (VCV001158936.10), dbSNP rs151265183, ClinGen allele CA2873731.
Genomic context (GRCh38, chr4:22,413,296, plus strand): 5'-ATCTGAATAGAGTATATGGCACCCATCTGACTTCCAGCCTCCTTGTCCGTTCAGCAAATC[G>A]AAATCCCACCGGGCTGCAACAGCATCTGCTCCATGTGCAATTCGACGCAGTGTCACATTA-3'
Protein context (NP_660333.2, residues 696-716): GADAVAARWD[Phe706=]DLLNGQGGWK